The following is an entry in ClinVar:

NM_054027.6(ANKH):c.*5768T>C

Genes: ANKH (ANKH inorganic pyrophosphate transport regulator; minus strand), OTULIN (OTU deubiquitinase with linear linkage specificity; plus strand). Cytogenetic location: 5p15.2.
Variant type: single nucleotide variant.
Coding change: c.*5768T>C on transcript NM_054027.6 (MANE Select); 5768 bases downstream of the stop codon, T replaced by C.
Molecular consequence: 3 prime UTR variant.
Genome position (GRCh38, 1-based): chr5:14,705,429, A>G on the plus strand (T>C on the coding strand, the complement: ANKH is on the minus strand). VCF-style: chr5-14705429-A-G. GRCh37 (hg19) VCF-style: chr5-14705538-A-G.
Identifiers: ClinVar variation 351400 (VCV000351400.5), dbSNP rs145549693, ClinGen allele CA10622978.

ClinVar aggregate classification (germline): Benign. Review status: criteria provided, single submitter (1 of 4 stars). 2 submissions from 1 submitter: Benign (2). Last evaluated 2018-01-13.

Conditions:
Chondrocalcinosis 2. Also called: CALCIUM GOUT; CALCIUM PYROPHOSPHATE ARTHROPATHY; Familial calcium pyrophosphate deposition. Identifiers: Orphanet 1416, MedGen C0856830, MONDO:0007319, OMIM 118600.
Craniometaphyseal dysplasia, autosomal dominant (CMDD). Identifiers: Orphanet 1522, MedGen C1852502, MONDO:0007397, OMIM 123000.

Allele frequency attached by ClinVar (database versions not stated): 1000 Genomes Project 30x 0.00062; gnomAD 0.00015 and 0.00020; TOPMed 0.00028; 1000 Genomes Project 0.00060.
gnomAD v4.1: 30 of 152,370 alleles (0.02%); highest among the groups gnomAD compares: East Asian, 0.44%; no homozygotes.

Submissions (2):

Illumina Laboratory Services, Illumina
Classification: Benign for Chondrocalcinosis 2. Last evaluated: 2018-01-13. Review status: criteria provided, single submitter. Criteria: ICSL Variant Classification Criteria 13 December 2019. Collection method: clinical testing. Allele origin: germline.
Comment: This variant was observed in the ICSL laboratory as part of a predisposition screen in an ostensibly healthy population. It had not been previously curated by ICSL or reported in the Human Gene Mutation Database (HGMD: prior to June 1st, 2018), and was therefore a candidate for classification through an automated scoring system. Utilizing variant allele frequency, disease prevalence and penetrance estimates, and inheritance mode, an automated score was calculated to assess if this variant is too frequent to cause the disease. Based on the score and internal cut-off values, a variant classified as benign is not then subjected to further curation. The score for this variant resulted in a classification of benign for this disease.

Illumina Laboratory Services, Illumina
Classification: Benign for Craniometaphyseal dysplasia, autosomal dominant. Last evaluated: 2018-01-13. Review status: criteria provided, single submitter. Criteria: ICSL Variant Classification Criteria 13 December 2019. Collection method: clinical testing. Allele origin: germline.
Comment: the same text as in the submission from Illumina Laboratory Services, Illumina above.